The following is an entry in ClinVar:

NM_020699.4(GATAD2B):c.1432C>T (p.Arg478Ter)

Gene: GATAD2B (GATA zinc finger domain containing 2B; minus strand). Cytogenetic location: 1q21.3.
Variant type: single nucleotide variant.
Coding change: c.1432C>T on transcript NM_020699.4 (MANE Select); coding-DNA position 1432, C replaced by T.
Protein change: p.Arg478Ter; replaces arginine 478 with a stop codon.
Molecular consequence: nonsense.
Genome position (GRCh38, 1-based): chr1:153,812,120, G>A on the plus strand (C>T on the coding strand, the complement: GATAD2B is on the minus strand). VCF-style: chr1-153812120-G-A. GRCh37 (hg19) VCF-style: chr1-153784596-G-A.
Other names: short protein forms R478*.
Identifiers: ClinVar variation 265610 (VCV000265610.50), dbSNP rs761820222, ClinGen allele CA10588267.
Genomic context (GRCh38, chr1:153,812,120, plus strand): 5'-TACTGACACTGGACACAGCTGGAGCCGTAGTGGGGGAGAGGGCTGCCTGCTGCTGTAATC[G>A]CTGTTCAATTTCCTGTTGGGAGTCATCACATCAGGTGATTGAGCAGGACAGCACCCAATA-3'

ClinVar aggregate classification (germline): Pathogenic/Likely pathogenic. Review status: criteria provided, multiple submitters, no conflicts (2 of 4 stars). 8 submissions from 8 submitters: Pathogenic (5); Likely pathogenic (2). 1 of the submissions does not count toward it. Last evaluated 2025-04-01.

Conditions:
Severe intellectual disability-poor language-strabismus-grimacing face-long fingers syndrome (GAND). Also called: GAND SYNDROME. Identifiers: Orphanet 363686, MedGen C3554448, MONDO:0014034, OMIM 615074.

Submissions (8):

CeGaT Center for Human Genetics Tuebingen
Classification: Pathogenic. Last evaluated: 2025-04-01. Review status: criteria provided, single submitter. Criteria: CeGaT Center For Human Genetics Tuebingen Variant Classification Criteria Version 2. Collection method: clinical testing. Allele origin: germline. Affected: yes. Observed: 5 variant alleles.
Comment: GATAD2B: PS2:Very Strong, PVS1, PS4, PM2

3billion
Classification: Pathogenic for Severe intellectual disability-poor language-strabismus-grimacing face-long fingers syndrome. Last evaluated: 2024-11-20. Review status: criteria provided, single submitter. Criteria: ACMG Guidelines, 2015. Collection method: clinical testing. Allele origin: germline. Affected: yes.
Comment: The variant is not observed in the gnomAD v4.1.0 dataset. Predicted Consequence/Location: Stop-gained (nonsense): predicted to result in a loss or disruption of normal protein function through nonsense-mediated decay (NMD) or protein truncation. Multiple pathogenic variants are reported downstream of the variant. The variant has been previously reported as de novo in a similarly affected individual (PMID: 31949314, 32688057). The variant has been observed in at least two similarly affected unrelated individuals (PMID: 31949314). The variant has been reported at least twice as pathogenic with clinical assertions and evidence for the classification (ClinVar ID: VCV000265610 /PMID: 31949314). Therefore, this variant is classified as Pathogenic according to the recommendation of ACMG/AMP guideline.

Genome-Nilou Lab
Classification: Likely pathogenic for Severe intellectual disability-poor language-strabismus-grimacing face-long fingers syndrome. Last evaluated: 2023-04-11. Review status: criteria provided, single submitter. Criteria: ACMG Guidelines, 2015. Collection method: clinical testing. Allele origin: germline. Affected: no.

GeneDx
Classification: Pathogenic. Last evaluated: 2023-01-13. Review status: criteria provided, single submitter. Criteria: GeneDx Variant Classification Process June 2021. Collection method: clinical testing. Allele origin: germline. Affected: yes.
Comment: Nonsense variant predicted to result in protein truncation or nonsense mediated decay in a gene for which loss of function is a known mechanism of disease; Not observed at significant frequency in large population cohorts (gnomAD); This variant is associated with the following publications: (PMID: 32688057, 30464253, 31949314)

Revvity Omics, Revvity
Classification: Likely pathogenic for Severe intellectual disability-poor language-strabismus-grimacing face-long fingers syndrome. Last evaluated: 2020-07-31. Review status: criteria provided, single submitter. Criteria: ACMG Guidelines, 2015. Collection method: clinical testing. Allele origin: germline.

Department of Genetics, Rouen University Hospital, Normandy Center for Genomic and Personalized Medicine
Classification: Pathogenic for Severe intellectual disability-poor language-strabismus-grimacing face-long fingers syndrome. Last evaluated: 2018-09-12. Review status: criteria provided, single submitter. Criteria: ACMG Guidelines, 2015. Collection method: clinical testing. Allele origin: de novo. Affected: no.

Clinical Genetics and Genomics, Karolinska University Hospital
Classification: Pathogenic. Last evaluated: 2016-02-02. Review status: criteria provided, single submitter. Criteria: ACMG Guidelines, 2015. Collection method: clinical testing. Allele origin: germline. Affected: yes. Observed: 1 variant allele.

Molecular Genetics Laboratory, BC Children's and BC Women's Hospitals
Classification: Pathogenic for Severe intellectual disability-poor language-strabismus-grimacing face-long fingers syndrome. Last evaluated: 2017-01-31. Review status: no assertion criteria provided. Criteria: ACMG Guidelines, 2015. Collection method: clinical testing. Allele origin: de novo. Affected: yes. Not counted in ClinVar's aggregate classification.

Literature cited by the submitters: PubMed 31949314 (cited by 3billion); PubMed 32688057 (cited by 3billion).